The following is an entry in ClinVar:

NM_001145809.2(MYH14):c.4987C>T (p.Arg1663Trp)

Gene: MYH14 (myosin heavy chain 14; plus strand). Cytogenetic location: 19q13.33.
Variant type: single nucleotide variant.
Coding change: c.4987C>T on transcript NM_001145809.2 (MANE Select); coding-DNA position 4987, C replaced by T.
Protein change: p.Arg1663Trp; replaces arginine 1663 with tryptophan.
Molecular consequence: missense variant.
Genome position (GRCh38, 1-based): chr19:50,290,908, C>T. VCF-style: chr19-50290908-C-T. GRCh37 (hg19) VCF-style: chr19-50794165-C-T.
Other names: c.4987C>T (NM_001145809.1); c.4888C>T, p.Arg1630Trp (NM_001077186.2); c.4864C>T, p.Arg1622Trp (NM_024729.4); short protein forms R1622W, R1630W, R1663W.
Identifiers: ClinVar variation 1050845 (VCV001050845.2), dbSNP rs375795690, ClinGen allele CA9593658.

ClinVar aggregate classification (germline): Uncertain significance. Review status: criteria provided, multiple submitters, no conflicts (2 of 4 stars). 2 submissions from 2 submitters: Uncertain significance (2). Last evaluated 2026-08-02.

Conditions:
MYH14-related disorder. Also called: MYH14-related condition.

Allele frequency attached by ClinVar (database versions not stated): gnomAD 0.00001; gnomAD exomes 0.00002 and 0.00003; TOPMed 0.00004; ExAC 0.00008; ESP Exome Variant Server 0.00008.
gnomAD v4.1: 37 of 1,567,014 alleles (0.0024%); highest among the groups gnomAD compares: South Asian, 0.0059%; no homozygotes.

Submissions (2):

PreventionGenetics, part of Exact Sciences
Classification: Uncertain significance for MYH14-related condition. Last evaluated: 2026-08-02. Review status: criteria provided, single submitter. Criteria: ACMG Guidelines, 2015. Collection method: clinical testing. Allele origin: germline.
Comment: The MYH14 c.4987C>T variant is predicted to result in the amino acid substitution p.Arg1663Trp. To our knowledge, this variant has not been reported in the literature. This variant is reported in 0.0042% of alleles in individuals of South Asian descent in gnomAD. At this time, the clinical significance of this variant is uncertain due to the absence of conclusive functional and genetic evidence.

Women's Health and Genetics/Laboratory Corporation of America, LabCorp
Classification: Uncertain significance. Last evaluated: 2021-03-24. Review status: criteria provided, single submitter. Criteria: LabCorp Variant Classification Summary - May 2015. Collection method: clinical testing. Allele origin: germline.
Comment: Variant summary: MYH14 c.4864C>T (p.Arg1622Trp) results in a non-conservative amino acid change located in the Myosin tail domain (IPR002928) of the encoded protein sequence. Three of five in-silico tools predict a damaging effect of the variant on protein function. The variant allele was found at a frequency of 2.8e-05 in 177656 control chromosomes. The available data on variant occurrences in the general population are insufficient to allow any conclusion about variant significance. To our knowledge, no occurrence of c.4864C>T in individuals affected with Deafness, Autosomal Dominant 4 and no experimental evidence demonstrating its impact on protein function have been reported. No clinical diagnostic laboratories have submitted clinical-significance assessments for this variant to ClinVar after 2014. Based on the evidence outlined above, the variant was classified as uncertain significance.